The following is an entry in ClinVar:

ClinVar aggregate classification (germline): Uncertain significance (1 of 4 stars; one submission).

Conditions:
Familial infantile myasthenia (CMS6). Also called: MYASTHENIC SYNDROME, PRESYNAPTIC, CONGENITAL, ASSOCIATED WITH EPISODIC APNEA; MYASTHENIC SYNDROME, CONGENITAL, 6, PRESYNAPTIC; Congenital myasthenic syndrome type 6. Identifiers: Orphanet 590, MedGen C0393929, MONDO:0009689, OMIM 254210.

Allele frequency attached by ClinVar (database versions not stated): gnomAD exomes below 0.00001.
gnomAD v4.1: 1 of 1,546,544 alleles (0.000065%); highest among the groups gnomAD compares: Non-Finnish European, 0.000087%; no homozygotes.

Submission:

Labcorp Genetics (formerly Invitae), Labcorp
Classification: Uncertain significance for Familial infantile myasthenia. Last evaluated: 2017-06-18. Review status: criteria provided, single submitter. Criteria: Invitae Variant Classification Sherloc (09022015). Collection method: clinical testing. Allele origin: germline.
Comment: This sequence change replaces threonine with alanine at codon 74 of the CHAT protein (p.Thr74Ala). The threonine residue is weakly conserved and there is a small physicochemical difference between threonine and alanine. While this variant is not present in population databases, the frequency information is unreliable, as metrics indicate poor data quality at this position in the ExAC database. This variant has not been reported in the literature in individuals with a CHAT-related disease. Algorithms developed to predict the effect of missense changes on protein structure and function (SIFT, PolyPhen-2, Align-GVGD) all suggest that this variant is likely to be tolerated, but these predictions have not been confirmed by published functional studies and their clinical significance is uncertain. In summary, this variant has uncertain impact on CHAT function. The available evidence is currently insufficient to determine its role in disease. Therefore, it has been classified as a Variant of Uncertain Significance.

NM_020549.5(CHAT):c.220A>G (p.Thr74Ala)

Gene: CHAT (choline O-acetyltransferase; plus strand). Cytogenetic location: 10q11.23.
Variant type: single nucleotide variant.
Coding change: c.220A>G on transcript NM_020549.5 (MANE Select); coding-DNA position 220, A replaced by G.
Protein change: p.Thr74Ala; replaces threonine 74 with alanine.
Molecular consequence: missense variant. On other transcripts: 5 prime UTR variant (4), intron variant (2).
Genome position (GRCh38, 1-based): chr10:49,614,409, A>G. VCF-style: chr10-49614409-A-G. GRCh37 (hg19) VCF-style: chr10-50822455-A-G.
Other names: c.-135A>G (NM_001142929.2, NM_020985.4); c.-97A>G (NM_001142933.2); c.-205A>G (NM_001142934.2); c.-68-2093A>G (NM_020984.4); c.-69+1207A>G (NM_020986.4); short protein forms T74A.
Identifiers: ClinVar variation 461456 (VCV000461456.8), dbSNP rs1554801418, ClinGen allele CA376725353.